The following is an entry in ClinVar:

ClinVar aggregate classification (germline): Uncertain significance. Review status: criteria provided, multiple submitters, no conflicts (2 of 4 stars). 2 submissions from 2 submitters: Uncertain significance (2). Last evaluated 2025-05-29.

Conditions:
Baller-Gerold syndrome (BGS). Also called: CRANIOSYNOSTOSIS WITH RADIAL DEFECTS. Identifiers: Orphanet 1225, MedGen C0265308, MONDO:0009039, OMIM 218600.
Inborn genetic diseases. Identifiers: MedGen C0950123, MeSH D030342.

Allele frequency attached by ClinVar (database versions not stated): gnomAD exomes 0.00001; ExAC 0.00002.
gnomAD v4.1: 9 of 1,612,462 alleles (0.00056%); highest among the groups gnomAD compares: South Asian, 0.0033%; no homozygotes.

Submissions (2):

Ambry Genetics
Classification: Uncertain significance for Inborn genetic diseases. Last evaluated: 2025-05-29. Review status: criteria provided, single submitter. Criteria: Ambry Variant Classification Scheme 2023. Collection method: clinical testing. Allele origin: germline.
Comment: The p.A463T variant (also known as c.1387G>A), located in coding exon 7 of the RECQL4 gene, results from a G to A substitution at nucleotide position 1387. The alanine at codon 463 is replaced by threonine, an amino acid with similar properties. This amino acid position is conserved. In addition, the in silico prediction for this alteration is inconclusive. Based on the available evidence, the clinical significance of this variant remains unclear.

Labcorp Genetics (formerly Invitae), Labcorp
Classification: Uncertain significance for Baller-Gerold syndrome. Last evaluated: 2022-01-06. Review status: criteria provided, single submitter. Criteria: Invitae Variant Classification Sherloc (09022015). Collection method: clinical testing. Allele origin: germline.
Comment: In summary, the available evidence is currently insufficient to determine the role of this variant in disease. Therefore, it has been classified as a Variant of Uncertain Significance. Experimental studies and prediction algorithms are not available or were not evaluated, and the functional significance of this variant is currently unknown. This variant has not been reported in the literature in individuals affected with RECQL4-related conditions. This variant is present in population databases (rs776602501, gnomAD 0.007%). This sequence change replaces alanine, which is neutral and non-polar, with threonine, which is neutral and polar, at codon 463 of the RECQL4 protein (p.Ala463Thr).

NM_004260.4(RECQL4):c.1387G>A (p.Ala463Thr)

Gene: RECQL4 (RecQ like helicase 4; minus strand). Cytogenetic location: 8q24.3.
Variant type: single nucleotide variant.
Coding change: c.1387G>A on transcript NM_004260.4 (MANE Select); coding-DNA position 1387, G replaced by A.
Protein change: p.Ala463Thr; replaces alanine 463 with threonine.
Molecular consequence: missense variant.
Genome position (GRCh38, 1-based): chr8:144,515,329, C>T on the plus strand (G>A on the coding strand, the complement: RECQL4 is on the minus strand). VCF-style: chr8-144515329-C-T. GRCh37 (hg19) VCF-style: chr8-145740713-C-T.
Other names: c.1387G>A (NM_004260.3); short protein forms A463T.
Identifiers: ClinVar variation 1398250 (VCV001398250.7), dbSNP rs776602501, ClinGen allele CA4948898.
Genomic context (GRCh38, chr8:144,515,329, plus strand): 5'-GACTTGAGTCACCCCAACCCCTCAGTGAAGGCTCTGGGCCAGAAGCTGACTGCTCACCTG[C>T]CAACTGCCCTGAGGGCCCCAGGGAGTAGAGTGGCAGCACGGTGGGGTCCAGGCTGGGCAC-3'
Protein context (NP_004251.4, residues 453-473): LYSLGPSGQL[Ala463Thr]ETPAEVFQAL